The following is an entry in ClinVar:

ClinVar aggregate classification (germline): Uncertain significance (1 of 4 stars; one submission).

Conditions:
Dyskeratosis congenita. Identifiers: Orphanet 1775, MedGen C0265965, MONDO:0015780.

Submission:

Ambry Genetics
Classification: Uncertain significance for Dyskeratosis congenita. Last evaluated: 2026-07-31. Review status: criteria provided, single submitter. Criteria: Ambry Variant Classification Scheme 2023. Collection method: clinical testing. Allele origin: germline.
Comment: The c.3381delC variant, located in coding exon 16 of the TERT gene, results from a deletion of one nucleotide at nucleotide position 3381, causing a translational frameshift with a predicted alternate stop codon (p.F1127Lfs*48). This variant occurs at the 3' terminus of the gene, is not expected to trigger nonsense-mediated mRNAdecay and results in the elongation of the protein by 40 amino acids. This frameshift impacts the last 6 amino acids of the native protein. The exact functional effect of the altered amino acids is unknown. Based on the available evidence, the clinical significance of this variant remains unclear.

NM_198253.3(TERT):c.3381del (p.Phe1127fs)

Gene: TERT (telomerase reverse transcriptase; minus strand). Cytogenetic location: 5p15.33.
Variant type: Deletion.
Coding change: c.3381del on transcript NM_198253.3 (MANE Select); coding-DNA position 3381, one base deleted (C; older notation c.3381delC).
Protein change: p.Phe1127fs; shifts the reading frame from phenylalanine 1127.
Molecular consequence: frameshift variant. On other transcripts: non-coding transcript variant (2).
Genome position (GRCh38, 1-based): chr5:1,253,746, G deleted on the plus strand (C on the coding strand, the reverse complement: TERT is on the minus strand). VCF-style (leftmost placement, unchanged base first): chr5-1253745-TG-T. GRCh37 (hg19) VCF-style: chr5-1253860-TG-T.
Other names: c.3192del, p.Phe1064fs (NM_001193376.3); short protein forms F1064fs, F1127fs.
Identifiers: ClinVar variation 5030649 (VCV005030649.1).